The following is an entry in ClinVar:

NM_001379180.1(ESRRB):c.1077G>C (p.Lys359Asn)

Gene: ESRRB (estrogen related receptor beta; plus strand). Cytogenetic location: 14q24.3.
Variant type: single nucleotide variant.
Coding change: c.1077G>C on transcript NM_001379180.1 (MANE Select); coding-DNA position 1077, G replaced by C.
Protein change: p.Lys359Asn; replaces lysine 359 with asparagine.
Molecular consequence: missense variant.
Genome position (GRCh38, 1-based): chr14:76,491,673, G>C. VCF-style: chr14-76491673-G-C. GRCh37 (hg19) VCF-style: chr14-76958016-G-C.
Other names: c.1029G>C, p.Lys343Asn (NM_001411038.1); c.1014G>C, p.Lys338Asn (NM_004452.4); short protein forms K338N, K359N, K343N.
Identifiers: ClinVar variation 2083496 (VCV002083496.4), dbSNP rs1358925218, ClinGen allele CA390479266.

ClinVar aggregate classification (germline): Uncertain significance (1 of 4 stars; one submission).

Submission:

Labcorp Genetics (formerly Invitae), Labcorp
Classification: Uncertain significance. Last evaluated: 2022-01-15. Review status: criteria provided, single submitter. Criteria: Invitae Variant Classification Sherloc (09022015). Collection method: clinical testing. Allele origin: germline.
Comment: In summary, the available evidence is currently insufficient to determine the role of this variant in disease. Therefore, it has been classified as a Variant of Uncertain Significance. Algorithms developed to predict the effect of missense changes on protein structure and function are either unavailable or do not agree on the potential impact of this missense change (SIFT: "Tolerated"; PolyPhen-2: "Probably Damaging"; Align-GVGD: "Class C0"). This variant has not been reported in the literature in individuals affected with ESRRB-related conditions. This variant is not present in population databases (gnomAD no frequency). This sequence change replaces lysine, which is basic and polar, with asparagine, which is neutral and polar, at codon 338 of the ESRRB protein (p.Lys338Asn).